The following is an entry in ClinVar:

ClinVar aggregate classification (germline): Benign/Likely benign. Review status: criteria provided, multiple submitters, no conflicts (2 of 4 stars). 8 submissions from 8 submitters: Benign (3); Likely benign (3). 2 of the submissions do not count toward it. Last evaluated 2026-02-03.

Conditions:
PQBP1-related disorder. Also called: PQBP1-related condition.
Renpenning syndrome. Also called: GOLABI-ITO-HALL SYNDROME; MENTAL RETARDATION, X-LINKED 55; MENTAL RETARDATION, X-LINKED, SYNDROMIC 8; SUTHERLAND-HAAN X-LINKED MENTAL RETARDATION SYNDROME; Mental retardation, X-linked Renpenning type; X-linked mental retardation with spastic diplegia. Identifiers: Orphanet 3242, MedGen C0796135, MONDO:0010653, OMIM 309500.

Submissions (8):

Labcorp Genetics (formerly Invitae), Labcorp
Classification: Benign. Last evaluated: 2026-02-03. Review status: criteria provided, single submitter. Criteria: Invitae Variant Classification Sherloc (09022015). Collection method: clinical testing. Allele origin: germline.

CeGaT Center for Human Genetics Tuebingen
Classification: Likely benign. Last evaluated: 2025-10-01. Review status: criteria provided, single submitter. Criteria: CeGaT Center For Human Genetics Tuebingen Variant Classification Criteria Version 2. Collection method: clinical testing. Allele origin: germline. Affected: yes. Observed: 4 variant alleles.
Comment: PQBP1: BS2

Blueprint Genetics
Classification: Likely benign. Last evaluated: 2024-10-15. Review status: criteria provided, single submitter. Criteria: ACMG Guidelines, 2015. Collection method: clinical testing. Allele origin: germline.

Mendelics
Classification: Likely benign for Renpenning syndrome. Last evaluated: 2019-05-28. Review status: criteria provided, single submitter. Criteria: Mendelics Assertion Criteria 2017. Collection method: clinical testing. Allele origin: unknown.

Athena Diagnostics
Classification: Benign. Last evaluated: 2017-03-22. Review status: criteria provided, single submitter. Criteria: Athena Diagnostics Criteria. Collection method: clinical testing. Allele origin: germline.

Eurofins Ntd Llc (ga)
Classification: Benign. Last evaluated: 2014-01-10. Review status: criteria provided, single submitter. Criteria: EGL Classification Definitions 2015. Collection method: clinical testing. Allele origin: germline. Observed: 1 variant allele, 1 heterozygote.

PreventionGenetics, part of Exact Sciences
Classification: Likely benign for PQBP1-related condition. Last evaluated: 2020-01-08. Review status: no assertion criteria provided. Collection method: clinical testing. Allele origin: germline. Not counted in ClinVar's aggregate classification.
Comment: This variant is classified as likely benign based on ACMG/AMP sequence variant interpretation guidelines (Richards et al. 2015 PMID: 25741868, with internal and published modifications).

OMIM
Classification: Pathogenic for RENPENNING SYNDROME. Last evaluated: 2006-04-01. Review status: no assertion criteria provided. Collection method: literature only. Allele origin: germline. Not counted in ClinVar's aggregate classification.

Literature cited by the submitters: PubMed 16493439 (cited by Athena Diagnostics and OMIM); PubMed 21315190 (cited by Athena Diagnostics); PubMed 21836667 (cited by Athena Diagnostics).

NM_001032382.2(PQBP1):c.334_354del (p.Gly113_Arg119del)

Gene: PQBP1 (polyglutamine binding protein 1; plus strand). Cytogenetic location: Xp11.23.
Variant type: Deletion.
Coding change: c.334_354del on transcript NM_001032382.2 (MANE Select); coding-DNA positions 334 to 354, 21 bases deleted (AGGGGCCATGACAAGTCGGAC).
Protein change: p.Gly113_Arg119del.
Molecular consequence: inframe deletion. On other transcripts: intron variant (2).
Genome position (GRCh38, 1-based): chrX:48,902,274-48,902,294, AGGGGCCATGACAAGTCGGAC deleted; deleting any 21 consecutive bases within chrX:48,902,257-48,902,294 gives the same sequence; the c. name uses the placement nearest the transcript's 3' end. VCF-style (leftmost placement, unchanged base first): chrX-48902256-AGCCATGACAAGTCGGACAGGG-A. GRCh37 (hg19) VCF-style: chrX-48759533-AGCCATGACAAGTCGGACAGGG-A.
Other names: c.334_354delAGGGGCCATGACAAGTCGGAC (NM_005710.2); c.334_354del, p.Gly113_Arg119del (NM_001032381.2, NM_001032383.2, NM_001032384.1 and 2 more transcripts); c.310_330del, p.Gly105_Arg111del (NM_001167990.2); c.292+232_292+252del (NM_144495.3); c.202-168_202-148del (NM_001167992.1); c.334_354del21 (NM_005710.2).
Identifiers: ClinVar variation 10984 (VCV000010984.38), dbSNP rs606231198, ClinGen allele CA121286.
Genomic context (GRCh38, chrX:48,902,256, plus strand): 5'-GGGTGGCAAGAGGTCACTTCAAGACTTGTGTCCCCAGATGCTGAAGAAAAGTTGGACCGG[AGCCATGACAAGTCGGACAGGG>A]GCCATGACAAGTCGGACCGCAGCCATGAGAAACTAGACAGGGGCCACGACAAGTCAGACC-3'